The following is an entry in ClinVar:

ClinVar aggregate classification (germline): Benign/Likely benign. Review status: criteria provided, multiple submitters, no conflicts (2 of 4 stars). 19 submissions from 16 submitters: Benign (13); Likely benign (1). 5 of the submissions do not count toward it. Last evaluated 2026-02-04.

Conditions:
Episodic ataxia type 2 (EA2). Also called: EPISODIC ATAXIA, NYSTAGMUS-ASSOCIATED; ACETAZOLAMIDE-RESPONSIVE HEREDITARY PAROXYSMAL CEREBELLAR ATAXIA; ATAXIA, EPISODIC, WITH NYSTAGMUS; ATAXIA, FAMILIAL PAROXYSMAL; CEREBELLAR ATAXIA, PAROXYSMAL, ACETAZOLAMIDE-RESPONSIVE; CEREBELLOPATHY, HEREDITARY PAROXYSMAL. Identifiers: Orphanet 97, MedGen C1720416, MONDO:0007163, OMIM 108500.
Developmental and epileptic encephalopathy, 42 (DEE42A). Also called: Epileptic encephalopathy, early infantile, 42; DEVELOPMENTAL AND EPILEPTIC ENCEPHALOPATHY 42A; EPILEPTIC ENCEPHALOPATHY, EARLY INFANTILE, 42A. Identifiers: MedGen C4310716, MONDO:0014917, OMIM 617106.
Spinocerebellar ataxia type 6 (SCA6). Identifiers: Orphanet 98758, MedGen C0752124, MONDO:0008457, OMIM 183086.
Migraine, familial hemiplegic, 1. Also called: MIGRAINE, FAMILIAL HEMIPLEGIC 1, WITH PROGRESSIVE CEREBELLAR ATAXIA. Identifiers: Orphanet 569, MedGen C1832884, MONDO:0020756, OMIM 141500, MONDO:0007714.
Inborn genetic diseases. Identifiers: MedGen C0950123, MeSH D030342.

Allele frequency attached by ClinVar (database versions not stated): gnomAD exomes 0.60123 and 0.60836; ESP Exome Variant Server 0.60885; ExAC 0.61597; TOPMed 0.66018; gnomAD 0.67249 and 0.67380; 1000 Genomes Project 0.68690.
gnomAD v4.1: 892,603 of 1,452,354 alleles (61%); highest among the groups gnomAD compares: African/African-American, 75%; 247,868 homozygotes.

Submissions (19):

Labcorp Genetics (formerly Invitae), Labcorp
Classification: Benign for Developmental and epileptic encephalopathy, 42; Episodic ataxia type 2. Last evaluated: 2026-02-04. Review status: criteria provided, single submitter. Criteria: Invitae Variant Classification Sherloc (09022015). Collection method: clinical testing. Allele origin: germline.

Blueprint Genetics
Classification: Benign. Last evaluated: 2024-11-28. Review status: criteria provided, single submitter. Criteria: ACMG Guidelines, 2015. Collection method: clinical testing. Allele origin: germline.

Unidad de Genómica Garrahan, Hospital de Pediatría Garrahan
Classification: Benign. Last evaluated: 2024-07-15. Review status: criteria provided, single submitter. Criteria: ACMG Guidelines, 2015. Collection method: clinical testing. Allele origin: germline. Affected: no. Observed: 44 variant alleles.
Comment: This variant is classified as Benign based on local population frequency. This variant was detected in 47% of patients studied in a panel designed for Epileptic and Developmental Encephalopathy and Progressive Myoclonus Epilepsy. Number of patients: 44. Only high quality variants are reported.

Fulgent Genetics
Classification: Likely benign for Episodic ataxia type 2; Migraine, familial hemiplegic, 1; Spinocerebellar ataxia type 6; Developmental and epileptic encephalopathy, 42. Last evaluated: 2022-04-08. Review status: criteria provided, single submitter. Criteria: ACMG Guidelines, 2015. Collection method: clinical testing. Allele origin: unknown.

Mayo Clinic Laboratories, Mayo Clinic
Classification: Benign. Last evaluated: 2022-03-24. Review status: criteria provided, single submitter. Criteria: ACMG Guidelines, 2015. Collection method: clinical testing. Allele origin: germline. Observed: 1,042 variant alleles.

Genome-Nilou Lab
Classification: Benign for Developmental and epileptic encephalopathy, 42. Last evaluated: 2021-07-14. Review status: criteria provided, single submitter. Criteria: ACMG Guidelines, 2015. Collection method: clinical testing. Allele origin: germline. Affected: no.

Genome-Nilou Lab
Classification: Benign for Episodic ataxia type 2. Last evaluated: 2021-07-14. Review status: criteria provided, single submitter. Criteria: ACMG Guidelines, 2015. Collection method: clinical testing. Allele origin: germline. Affected: no.

Genome-Nilou Lab
Classification: Benign for Migraine, familial hemiplegic, 1. Last evaluated: 2021-07-14. Review status: criteria provided, single submitter. Criteria: ACMG Guidelines, 2015. Collection method: clinical testing. Allele origin: germline. Affected: no.

Genome-Nilou Lab
Classification: Benign for Spinocerebellar ataxia type 6. Last evaluated: 2021-07-14. Review status: criteria provided, single submitter. Criteria: ACMG Guidelines, 2015. Collection method: clinical testing. Allele origin: germline. Affected: no.

Eurofins Ntd Llc (ga)
Classification: Benign. Last evaluated: 2018-03-01. Review status: criteria provided, single submitter. Criteria: EGL ClinVar v180209 classification definitions. Collection method: clinical testing. Allele origin: germline. Observed: 28 variant alleles, 11 heterozygotes, 17 homozygotes.

Ambry Genetics
Classification: Benign for Inborn genetic diseases. Last evaluated: 2016-01-08. Review status: criteria provided, single submitter. Criteria: Ambry Variant Classification Scheme 2023. Collection method: clinical testing. Allele origin: germline.

GeneDx
Classification: Benign. Last evaluated: 2015-03-03. Review status: criteria provided, single submitter. Criteria: GeneDx Variant Classification (06012015). Collection method: clinical testing. Allele origin: germline. Affected: yes.

Breakthrough Genomics
Classification: Benign. Review status: criteria provided, single submitter. Criteria: ACMG Guidelines, 2015. Collection method: not provided. Allele origin: germline. Inheritance: Autosomal dominant inheritance. Affected: yes.

PreventionGenetics, part of Exact Sciences
Classification: Benign. Review status: criteria provided, single submitter. Criteria: ACMG Guidelines, 2015. Collection method: clinical testing. Allele origin: germline.

Clinical Genetics DNA and cytogenetics Diagnostics Lab, Erasmus MC, Erasmus Medical Center
Classification: Benign. Review status: no assertion criteria provided. Collection method: clinical testing. Allele origin: germline. Affected: yes. Study: VKGL Data-share Consensus. Not counted in ClinVar's aggregate classification.

Diagnostic Laboratory, Department of Genetics, University Medical Center Groningen
Classification: Benign. Review status: no assertion criteria provided. Collection method: clinical testing. Allele origin: germline. Affected: yes. Study: VKGL Data-share Consensus. Not counted in ClinVar's aggregate classification.

Genetic Services Laboratory, University of Chicago
Classification: Likely benign for AllHighlyPenetrant. Review status: no assertion criteria provided. Collection method: clinical testing. Allele origin: germline. Inheritance: Autosomal dominant inheritance. Not counted in ClinVar's aggregate classification.
Comment: Likely benign based on allele frequency in 1000 Genomes Project or ESP global frequency and its presence in a patient with a rare or unrelated disease phenotype. NOT Sanger confirmed.

Genome Diagnostics Laboratory, University Medical Center Utrecht
Classification: Benign. Review status: no assertion criteria provided. Collection method: clinical testing. Allele origin: germline. Affected: yes. Study: VKGL Data-share Consensus. Not counted in ClinVar's aggregate classification.

Joint Genome Diagnostic Labs from Nijmegen and Maastricht, Radboudumc and MUMC+
Classification: Benign. Review status: no assertion criteria provided. Collection method: clinical testing. Allele origin: germline. Affected: yes. Study: VKGL Data-share Consensus. Not counted in ClinVar's aggregate classification.

NM_001127222.2(CACNA1A):c.6657T>C (p.His2219=)

Gene: CACNA1A (calcium voltage-gated channel subunit alpha1 A; minus strand). Cytogenetic location: 19p13.13.
Variant type: single nucleotide variant.
Coding change: c.6657T>C on transcript NM_001127222.2 (MANE Select); coding-DNA position 6657, T replaced by C.
Protein change: p.His2219=; no amino-acid change (histidine 2219 retained).
Molecular consequence: synonymous variant.
Genome position (GRCh38, 1-based): chr19:13,208,879, A>G on the plus strand (T>C on the coding strand, the complement: CACNA1A is on the minus strand). VCF-style: chr19-13208879-A-G. GRCh37 (hg19) VCF-style: chr19-13319693-A-G.
Other names: p.His2220=; c.6675T>C, p.His2225= (NM_000068.4, NM_023035.3); c.6660T>C, p.His2220= (NM_001127221.2); c.6666T>C, p.His2222= (NM_001174080.2).
Identifiers: ClinVar variation 93562 (VCV000093562.34), dbSNP rs16051, ClinGen allele CA147067.